The following is an entry in ClinVar:

NM_005391.5(PDK3):c.506-7C>T

Gene: PDK3 (pyruvate dehydrogenase kinase 3; plus strand). Cytogenetic location: Xp22.11.
Variant type: single nucleotide variant.
Coding change: c.506-7C>T on transcript NM_005391.5 (MANE Select); 7 bases into the intron before coding-DNA position 506, C replaced by T.
Molecular consequence: intron variant.
Genome position (GRCh38, 1-based): chrX:24,505,202, C>T. VCF-style: chrX-24505202-C-T. GRCh37 (hg19) VCF-style: chrX-24523319-C-T.
Other names: c.506-7C>T (NM_001142386.2, NM_001142386.3).
Identifiers: ClinVar variation 1125235 (VCV001125235.10), dbSNP rs1195638386, ClinGen allele CA10372295.

ClinVar aggregate classification (germline): Likely benign. Review status: criteria provided, multiple submitters, no conflicts (2 of 4 stars). 2 submissions from 2 submitters: Likely benign (2). Last evaluated 2026-03-09.

Conditions:
PDK3-related disorder. Also called: PDK3-related condition.
Charcot-Marie-Tooth disease X-linked dominant 6. Also called: CHARCOT-MARIE-TOOTH NEUROPATHY, X-LINKED DOMINANT, 6. Identifiers: Orphanet 352675, MedGen C3806702, MONDO:0010479, OMIM 300905.

Allele frequency attached by ClinVar (database versions not stated): gnomAD exomes below 0.00001 and 0.00001; ExAC 0.00001; gnomAD 0.00001.
gnomAD v4.1: 3 of 1,185,281 alleles (0.00025%); highest among the groups gnomAD compares: Admixed American, 0.0045%; no homozygotes.

Submissions (2):

PreventionGenetics, part of Exact Sciences
Classification: Likely benign for PDK3-related condition. Last evaluated: 2026-03-09. Review status: criteria provided, single submitter. Criteria: ACMG Guidelines, 2015. Collection method: clinical testing. Allele origin: germline.
Comment: This variant is classified as likely benign based on ACMG/AMP sequence variant interpretation guidelines (Richards et al. 2015 PMID: 25741868, with internal and published modifications).

Labcorp Genetics (formerly Invitae), Labcorp
Classification: Likely benign for Charcot-Marie-Tooth disease X-linked dominant 6. Last evaluated: 2019-12-02. Review status: criteria provided, single submitter. Criteria: Invitae Variant Classification Sherloc (09022015). Collection method: clinical testing. Allele origin: germline.